The following is an entry in ClinVar:

NM_005912.3(MC4R):c.784T>C (p.Phe262Leu)

Gene: MC4R (melanocortin 4 receptor; minus strand). Cytogenetic location: 18q21.32.
Variant type: single nucleotide variant.
Coding change: c.784T>C on transcript NM_005912.3 (MANE Select); coding-DNA position 784, T replaced by C.
Protein change: p.Phe262Leu; replaces phenylalanine 262 with leucine.
Molecular consequence: missense variant.
Genome position (GRCh38, 1-based): chr18:60,371,566, A>G on the plus strand (T>C on the coding strand, the complement: MC4R is on the minus strand). VCF-style: chr18-60371566-A-G. GRCh37 (hg19) VCF-style: chr18-58038799-A-G.
Other names: short protein forms F262L.
Identifiers: ClinVar variation 4993952 (VCV004993952.1).

ClinVar aggregate classification (germline): Uncertain significance (1 of 4 stars; one submission).

Conditions:
MC4R-related disorder. Also called: MC4R-related condition.

gnomAD v4.1: 6 of 1,614,130 alleles (0.00037%); highest among the groups gnomAD compares: Non-Finnish European, 0.00051%; no homozygotes.

Submission:

PreventionGenetics, part of Exact Sciences
Classification: Uncertain significance for MC4R-related condition. Last evaluated: 2026-02-23. Review status: criteria provided, single submitter. Criteria: ACMG Guidelines, 2015. Collection method: clinical testing. Allele origin: germline.
Comment: The MC4R c.784T>C variant is predicted to result in the amino acid substitution p.Phe262Leu. This variant has been reported in the heterozygous state in a pediatric patient in a cohort study of individuals with MC4R deficiency (van der Walle. et al. 2025. PubMed ID: 40231439). This variant is reported in 0.0065% of alleles in individuals of European (Non-Finnish) descent in gnomAD. At this time, the clinical significance of this variant is uncertain due to the absence of conclusive functional and genetic evidence.